The following is an entry in ClinVar:

ClinVar aggregate classification (germline): Benign/Likely benign. Review status: criteria provided, multiple submitters, no conflicts (2 of 4 stars). 3 submissions from 3 submitters: Benign (2); Likely benign (1). Last evaluated 2026-04-28.

Conditions:
VHL-related disorder. Also called: VHL-related condition.
Von Hippel-Lindau syndrome (VHLS). Also called: von Hippel–Lindau syndrome; VHL syndrome; Von Hippel-Lindau. Identifiers: Orphanet 892, MedGen C0019562, MONDO:0008667, OMIM 193300. Disease mechanism: loss of function.
Chuvash polycythemia. Also called: POLYCYTHEMIA, VHL-DEPENDENT. Identifiers: Orphanet 238557, MedGen C1837915, MONDO:0009892, OMIM 263400.

Allele frequency attached by ClinVar (database versions not stated): gnomAD 0.00005 and 0.00006; TOPMed 0.00007; 1000 Genomes Project 30x 0.00016; 1000 Genomes Project 0.00020.

Submissions (3):

PreventionGenetics, part of Exact Sciences
Classification: Likely benign for VHL-related condition. Last evaluated: 2026-04-28. Review status: criteria provided, single submitter. Criteria: ACMG Guidelines, 2015. Collection method: clinical testing. Allele origin: germline.
Comment: This variant is classified as likely benign based on ACMG/AMP sequence variant interpretation guidelines (Richards et al. 2015 PMID: 25741868, with internal and published modifications).

Labcorp Genetics (formerly Invitae), Labcorp
Classification: Benign for Von Hippel-Lindau syndrome; Chuvash polycythemia. Last evaluated: 2026-02-01. Review status: criteria provided, single submitter. Criteria: Invitae Variant Classification Sherloc (09022015). Collection method: clinical testing. Allele origin: germline.

Center for Genomic Medicine, Rigshospitalet, Copenhagen University Hospital
Classification: Benign. Last evaluated: 2025-03-04. Review status: criteria provided, single submitter. Criteria: ACMG Guidelines, 2015. Collection method: clinical testing. Allele origin: germline.

NM_000551.4(VHL):c.340+621T>C

Genes: VHL (von Hippel-Lindau tumor suppressor; plus strand), LOC107303340 (3p25 von Hippel-Lindau tumor suppressor, E3 ubiquitin protein ligase Alu-mediated recombination region; plus strand). Cytogenetic location: 3p25.3.
Variant type: single nucleotide variant.
Coding change: c.340+621T>C on transcript NM_000551.4 (MANE Select); 621 bases into the intron after coding-DNA position 340, T replaced by C.
Molecular consequence: intron variant. On other transcripts: missense variant (1).
Genome position (GRCh38, 1-based): chr3:10,142,808, T>C. VCF-style: chr3-10142808-T-C. GRCh37 (hg19) VCF-style: chr3-10184492-T-C.
Other names: c.386T>C, p.Val129Ala (NM_001354723.2); c.340+621T>C (NM_198156.3); c.386T>C (NM_001354723.1); short protein forms V129A.
Identifiers: ClinVar variation 1088219 (VCV001088219.14), dbSNP rs562162481, ClinGen allele CA70046706.
Genomic context (GRCh38, chr3:10,142,808, plus strand): 5'-ACCCCATCTGTTCAGTCCTCATGACTCCAGTGGGCCAGTTCTGCGTAGTCCCTGCCCTCG[T>C]GGAGAACACATTCCTCCTGGGGAGACTGACAGATGCAAAGACAGGAACAAGCCAGGGTCA-3'